The following is an entry in ClinVar:

NM_001040142.2(SCN2A):c.3382A>G (p.Met1128Val)

Gene: SCN2A (sodium voltage-gated channel alpha subunit 2; plus strand). Cytogenetic location: 2q24.3.
Variant type: single nucleotide variant.
Coding change: c.3382A>G on transcript NM_001040142.2 (MANE Select); coding-DNA position 3382, A replaced by G.
Protein change: p.Met1128Val; replaces methionine 1128 with valine.
Molecular consequence: missense variant.
Genome position (GRCh38, 1-based): chr2:165,354,654, A>G. VCF-style: chr2-165354654-A-G. GRCh37 (hg19) VCF-style: chr2-166211164-A-G.
Other names: c.3382A>G, p.Met1128Val (NM_001040143.2, NM_001371246.1, NM_001371247.1 and 1 more transcripts); short protein forms M1128V.
Identifiers: ClinVar variation 2931669 (VCV002931669.3), dbSNP rs2468036880, ClinGen allele CA349022038.

ClinVar aggregate classification (germline): Uncertain significance (1 of 4 stars; one submission).

Conditions:
Seizures, benign familial infantile, 3 (BFIS3). Also called: CONVULSIONS, BENIGN FAMILIAL INFANTILE, 3; Familial neonatal seizures. Identifiers: Orphanet 140927, Orphanet 306, MedGen C1843140, MONDO:0011904, OMIM 607745.
Developmental and epileptic encephalopathy, 11 (DEE11). Also called: Early infantile epileptic encephalopathy 11. Identifiers: Orphanet 1934, MedGen C3150987, MONDO:0013388, OMIM 613721.

Submission:

Labcorp Genetics (formerly Invitae), Labcorp
Classification: Uncertain significance for Seizures, benign familial infantile, 3; Developmental and epileptic encephalopathy, 11. Last evaluated: 2023-12-08. Review status: criteria provided, single submitter. Criteria: Invitae Variant Classification Sherloc (09022015). Collection method: clinical testing. Allele origin: germline.
Comment: This sequence change replaces methionine, which is neutral and non-polar, with valine, which is neutral and non-polar, at codon 1128 of the SCN2A protein (p.Met1128Val). This variant is not present in population databases (gnomAD no frequency). This variant has not been reported in the literature in individuals affected with SCN2A-related conditions. Advanced modeling of protein sequence and biophysical properties (such as structural, functional, and spatial information, amino acid conservation, physicochemical variation, residue mobility, and thermodynamic stability) performed at Invitae indicates that this missense variant is not expected to disrupt SCN2A protein function with a negative predictive value of 95%. In summary, the available evidence is currently insufficient to determine the role of this variant in disease. Therefore, it has been classified as a Variant of Uncertain Significance.